The following is an entry in ClinVar:

NM_000399.5(EGR2):c.464C>T (p.Ser155Phe)

Gene: EGR2 (early growth response 2; minus strand). Cytogenetic location: 10q21.3.
Variant type: single nucleotide variant.
Coding change: c.464C>T on transcript NM_000399.5 (MANE Select); coding-DNA position 464, C replaced by T.
Protein change: p.Ser155Phe; replaces serine 155 with phenylalanine.
Molecular consequence: missense variant.
Genome position (GRCh38, 1-based): chr10:62,814,174, G>A on the plus strand (C>T on the coding strand, the complement: EGR2 is on the minus strand). VCF-style: chr10-62814174-G-A. GRCh37 (hg19) VCF-style: chr10-64573934-G-A.
Other names: c.464C>T, p.Ser155Phe (NM_001136177.3, NM_001136178.2); c.314C>T, p.Ser105Phe (NM_001136179.3, NM_001321037.2); short protein forms S155F, S105F.
Identifiers: ClinVar variation 373129 (VCV000373129.1), dbSNP rs1057518238, ClinGen allele CA16042727.
Genomic context (GRCh38, chr10:62,814,174, plus strand): 5'-GAATAAGGAGGAGGAGGCGGTGGCGGAGAGTACAGGTGGTCCAGGTCAGGCTGGGTCTGG[G>A]ACATGGTGCACACACCCAGGGGTCCTGTGGCCAGTGGGTTGGGGGAGGCAGAGGTGACGC-3'
Protein context (NP_000390.2, residues 145-165): ATGPLGVCTM[Ser155Phe]QTQPDLDHLY

ClinVar aggregate classification (germline): Uncertain significance (1 of 4 stars; one submission).

Submission:

GeneDx
Classification: Uncertain significance. Last evaluated: 2016-11-30. Review status: criteria provided, single submitter. Criteria: GeneDx Variant Classification (06012015). Collection method: clinical testing. Allele origin: germline. Affected: yes.
Comment: The S155F variant in the EGR2 gene has not been reported previously as a pathogenic variant, nor as a benign variant, to our knowledge. This variant was not observed in approximately 6500 individuals of European and African American ancestry in the NHLBI Exome Sequencing Project, indicating it is not a common benign variant in these populations. The S155F variant is a non-conservative amino acid substitution, which is likely to impact secondary protein structure as these residues differ in polarity, charge, size and/or other properties. This substitution occurs at a position that is conserved across species, and in silico analysis predicts this variant is probably damaging to the protein structure/function. As an alternate mechanism, some splice predictor models indicate that this sequence change may enhance the cryptic splice acceptor site in exon 2 which may cause abnormal gene splicing; however, in the absence of RNA/functional studies, the actual effect of this sequence change in this individual is unknown. We interpret S155F as a variant of uncertain significance.